The following is an entry in ClinVar:

NM_018474.6(KIZ):c.35C>A (p.Ser12Ter)

Genes: KIZ (kizuna centrosomal protein; plus strand), LOC130065507 (ATAC-STARR-seq lymphoblastoid silent region 12713; plus strand). Cytogenetic location: 20p11.23.
Variant type: single nucleotide variant.
Coding change: c.35C>A on transcript NM_018474.6 (MANE Select); coding-DNA position 35, C replaced by A.
Protein change: p.Ser12Ter; replaces serine 12 with a stop codon.
Molecular consequence: nonsense. On other transcripts: 5 prime UTR variant (4), synonymous variant (1).
Genome position (GRCh38, 1-based): chr20:21,126,150, C>A. VCF-style: chr20-21126150-C-A. GRCh37 (hg19) VCF-style: chr20-21106791-C-A.
Other names: c.-112C>A (NM_001163022.3, NM_001163023.3, NM_001352435.2); c.114C>A, p.Val38= (NM_001276389.2); c.35C>A, p.Ser12Ter (NM_001352434.2); c.-352C>A (NM_001352436.2); short protein forms S12*.
Identifiers: ClinVar variation 2025841 (VCV002025841.4), dbSNP rs770989376, ClinGen allele CA9784580.

ClinVar aggregate classification (germline): Pathogenic (1 of 4 stars; one submission).

Allele frequency attached by ClinVar (database versions not stated): ExAC 0.00010.
gnomAD v4.1: 1 of 1,513,194 alleles (0.000066%); highest among the groups gnomAD compares: Non-Finnish European, 0.000089%; no homozygotes.

Submission:

Labcorp Genetics (formerly Invitae), Labcorp
Classification: Pathogenic. Last evaluated: 2022-08-21. Review status: criteria provided, single submitter. Criteria: Invitae Variant Classification Sherloc (09022015). Collection method: clinical testing. Allele origin: germline.
Comment: For these reasons, this variant has been classified as Pathogenic. This variant has not been reported in the literature in individuals affected with KIZ-related conditions. The frequency data for this variant in the population databases is considered unreliable, as metrics indicate poor data quality at this position in the gnomAD database. This sequence change creates a premature translational stop signal (p.Ser12*) in the KIZ gene. It is expected to result in an absent or disrupted protein product. Loss-of-function variants in KIZ are known to be pathogenic (PMID: 24680887, 29057815).

Literature cited by the submitters: PubMed 24680887; PubMed 29057815.